The following is an entry in ClinVar:

ClinVar aggregate classification (germline): Conflicting classifications of pathogenicity. Review status: criteria provided, conflicting classifications (1 of 4 stars). 4 submissions from 4 submitters: Uncertain significance (1); Likely benign (3). Last evaluated 2024-10-15.

Allele frequency attached by ClinVar (database versions not stated): ESP Exome Variant Server 0.00123; 1000 Genomes Project 0.00080; gnomAD 0.00076 and 0.00085; TOPMed 0.00084; 1000 Genomes Project 30x 0.00094; gnomAD exomes 0.00021; ExAC 0.00031.

Submissions (4):

GeneDx
Classification: Uncertain significance. Last evaluated: 2024-10-15. Review status: criteria provided, single submitter. Criteria: GeneDx Variant Classification Process June 2021. Collection method: clinical testing. Allele origin: germline. Affected: yes.
Comment: Observed in individuals with a personal or family history of breast cancer and other cancers (PMID: 35534704); In silico analysis supports that this missense variant has a deleterious effect on protein structure/function; This variant is associated with the following publications: (PMID: 35534704, 29641532)

Labcorp Genetics (formerly Invitae), Labcorp
Classification: Likely benign. Last evaluated: 2022-07-25. Review status: criteria provided, single submitter. Criteria: Invitae Variant Classification Sherloc (09022015). Collection method: clinical testing. Allele origin: germline.

PreventionGenetics, part of Exact Sciences
Classification: Likely benign. Last evaluated: 2017-09-08. Review status: criteria provided, single submitter. Criteria: ACMG Guidelines, 2015. Collection method: clinical testing. Allele origin: germline.

Breakthrough Genomics
Classification: Likely benign. Review status: criteria provided, single submitter. Criteria: ACMG Guidelines, 2015. Collection method: not provided. Allele origin: germline. Inheritance: Autosomal recessive inheritance. Affected: yes.

NM_002354.3(EPCAM):c.487C>T (p.Arg163Trp)

Gene: EPCAM (epithelial cell adhesion molecule; plus strand). Cytogenetic location: 2p21.
Variant type: single nucleotide variant.
Coding change: c.487C>T on transcript NM_002354.3 (MANE Select); coding-DNA position 487, C replaced by T.
Protein change: p.Arg163Trp; replaces arginine 163 with tryptophan.
Molecular consequence: missense variant.
Genome position (GRCh38, 1-based): chr2:47,375,295, C>T. VCF-style: chr2-47375295-C-T. GRCh37 (hg19) VCF-style: chr2-47602434-C-T.
Other names: short protein forms R163W.
Identifiers: ClinVar variation 136023 (VCV000136023.12), dbSNP rs148725106, ClinGen allele CA332779.